The following is an entry in ClinVar:

ClinVar aggregate classification (germline): Pathogenic (1 of 4 stars; one submission).

Conditions:
Hereditary breast ovarian cancer syndrome. Also called: Hereditary breast and ovarian cancer syndrome (HBOC); Hereditary breast and/or ovarian cancer syndrome; Hereditary breast and ovarian cancer; BRCA1- and BRCA2-Associated Hereditary Breast and Ovarian Cancer; Hereditary breast and ovarian cancer syndrome; Breast and ovarian cancer. Identifiers: Orphanet 145, MedGen C0677776, MeSH D061325, MONDO:0003582. Disease mechanism: loss of function.

Submission:

Labcorp Genetics (formerly Invitae), Labcorp
Classification: Pathogenic for Hereditary breast ovarian cancer syndrome. Last evaluated: 2020-01-14. Review status: criteria provided, single submitter. Criteria: Invitae Variant Classification Sherloc (09022015). Collection method: clinical testing. Allele origin: germline.
Comment: For these reasons, this variant has been classified as Pathogenic. Loss-of-function variants in BRCA2 are known to be pathogenic (PMID: 20104584). This variant has not been reported in the literature in individuals with BRCA2-related conditions. This variant is not present in population databases (ExAC no frequency). This sequence change creates a premature translational stop signal (p.Arg2842Alafs*21) in the BRCA2 gene. It is expected to result in an absent or disrupted protein product.

Literature cited by the submitters: PubMed 20104584.

NM_000059.4(BRCA2):c.8523del (p.Arg2842fs)

Gene: BRCA2 (BRCA2 DNA repair associated; plus strand). Cytogenetic location: 13q13.1.
Variant type: Deletion.
Coding change: c.8523del on transcript NM_000059.4 (MANE Select); coding-DNA position 8523, one base deleted (T; older notation c.8523delT).
Protein change: p.Arg2842fs; shifts the reading frame from arginine 2842.
Molecular consequence: frameshift variant.
Genome position (GRCh38, 1-based): chr13:32,370,991, T deleted; the last of 3 consecutive T bases (chr13:32,370,989-32,370,991); deleting any one gives the same sequence. VCF-style (leftmost placement, unchanged base first): chr13-32370988-AT-A. GRCh37 (hg19) VCF-style: chr13-32945125-AT-A.
Other names: short protein forms R2842fs.
Identifiers: ClinVar variation 1071770 (VCV001071770.9), dbSNP rs2137600028, ClinGen allele CA2499222335.